The following is an entry in ClinVar:

NM_001013838.3(CARMIL2):c.4213G>A (p.Glu1405Lys)

Gene: CARMIL2 (capping protein regulator and myosin 1 linker 2; plus strand). Cytogenetic location: 16q22.1.
Variant type: single nucleotide variant.
Coding change: c.4213G>A on transcript NM_001013838.3 (MANE Select); coding-DNA position 4213, G replaced by A.
Protein change: p.Glu1405Lys; replaces glutamic acid 1405 with lysine.
Molecular consequence: missense variant.
Genome position (GRCh38, 1-based): chr16:67,657,423, G>A. VCF-style: chr16-67657423-G-A. GRCh37 (hg19) VCF-style: chr16-67691326-G-A.
Other names: c.4024G>A, p.Glu1342Lys (NM_001317026.3); short protein forms E1405K, E1342K.
Identifiers: ClinVar variation 2055840 (VCV002055840.5), dbSNP rs72547498, ClinGen allele CA283214700.

ClinVar aggregate classification (germline): Conflicting classifications of pathogenicity. Review status: criteria provided, conflicting classifications (1 of 4 stars). 2 submissions from 2 submitters: Uncertain significance (1); Likely benign (1). Last evaluated 2022-12-24.

Allele frequency attached by ClinVar (database versions not stated): gnomAD exomes 0.00001; TOPMed 0.00001; gnomAD 0.00003.
gnomAD v4.1: 21 of 1,606,864 alleles (0.0013%); highest among the groups gnomAD compares: South Asian, 0.01%; no homozygotes.

Submissions (2):

Labcorp Genetics (formerly Invitae), Labcorp
Classification: Uncertain significance. Last evaluated: 2022-12-24. Review status: criteria provided, single submitter. Criteria: Invitae Variant Classification Sherloc (09022015). Collection method: clinical testing. Allele origin: germline.
Comment: Algorithms developed to predict the effect of missense changes on protein structure and function output the following: SIFT: "Tolerated"; PolyPhen-2: "Benign"; Align-GVGD: "Class C0". The lysine amino acid residue is found in multiple mammalian species, which suggests that this missense change does not adversely affect protein function. In summary, the available evidence is currently insufficient to determine the role of this variant in disease. Therefore, it has been classified as a Variant of Uncertain Significance. This variant has not been reported in the literature in individuals affected with CARMIL2-related conditions. This variant is present in population databases (rs72547498, gnomAD 0.003%). This sequence change replaces glutamic acid, which is acidic and polar, with lysine, which is basic and polar, at codon 1405 of the CARMIL2 protein (p.Glu1405Lys).

Blueprint Genetics
Classification: Likely benign. Last evaluated: 2022-07-28. Review status: criteria provided, single submitter. Criteria: ACMG Guidelines, 2015. Collection method: clinical testing. Allele origin: germline.